The following is an entry in ClinVar:

NM_020702.5(MYORG):c.338T>G (p.Leu113Arg)

Gene: MYORG (myogenesis regulating glycosidase; minus strand). Cytogenetic location: 9p13.3.
Variant type: single nucleotide variant.
Coding change: c.338T>G on transcript NM_020702.5 (MANE Select); coding-DNA position 338, T replaced by G.
Protein change: p.Leu113Arg; replaces leucine 113 with arginine.
Molecular consequence: missense variant.
Genome position (GRCh38, 1-based): chr9:34,372,606, A>C on the plus strand (T>G on the coding strand, the complement: MYORG is on the minus strand). VCF-style: chr9-34372606-A-C. GRCh37 (hg19) VCF-style: chr9-34372604-A-C.
Other names: short protein forms L113R.
Identifiers: ClinVar variation 692176 (VCV000692176.1), dbSNP rs753277260, ClinGen allele CA373246849.

ClinVar aggregate classification (germline): Uncertain significance (1 of 4 stars; one submission).

Conditions:
Basal ganglia calcification, idiopathic, 7, autosomal recessive. Also called: PRIMARY FAMILIAL BRAIN CALCIFICATION 7, AUTOSOMAL RECESSIVE. Identifiers: MedGen C5193025, MONDO:0032673, OMIM 618317.

Submission:

SIB Swiss Institute of Bioinformatics
Classification: Uncertain significance for Basal ganglia calcification, idiopathic, 7, autosomal recessive. Last evaluated: 2019-06-13. Review status: criteria provided, single submitter. Criteria: ACMG Guidelines, 2015. Collection method: curation. Allele origin: unknown.
Comment: This variant is interpreted as a variant of Uncertain significance for Basal ganglia calcification, idiopathic, 7, autosomal recessive. The following ACMG Tag(s) were applied: PM2.

Literature cited by the submitters: PubMed 31009047.